The following is an entry in ClinVar:

ClinVar aggregate classification (germline): Uncertain significance (1 of 4 stars; one submission).

Conditions:
Primary ciliary dyskinesia. Also called: Ciliary dyskinesia. Identifiers: Orphanet 244, MedGen C0008780, MONDO:0016575, HP:0012265.

Submission:

Ambry Genetics
Classification: Uncertain significance for Primary ciliary dyskinesia. Last evaluated: 2026-09-04. Review status: criteria provided, single submitter. Criteria: Ambry Variant Classification Scheme 2023. Collection method: clinical testing. Allele origin: germline.
Comment: The p.F4392Y variant (also known as c.13175T>A), located in coding exon 76 of the DNAH5 gene, results from a T to A substitution at nucleotide position 13175. The phenylalanine at codon 4392 is replaced by tyrosine, an amino acid with highly similar properties. This amino acid position is conserved. In addition, the in silico prediction for this alteration is inconclusive. Based on the available evidence, the clinical significance of this variant remains unclear.

NM_001369.3(DNAH5):c.13175T>A (p.Phe4392Tyr)

Gene: DNAH5 (dynein axonemal heavy chain 5; minus strand). Cytogenetic location: 5p15.2.
Variant type: single nucleotide variant.
Coding change: c.13175T>A on transcript NM_001369.3 (MANE Select); coding-DNA position 13175, T replaced by A.
Protein change: p.Phe4392Tyr; replaces phenylalanine 4392 with tyrosine.
Molecular consequence: missense variant.
Genome position (GRCh38, 1-based): chr5:13,708,286, A>T on the plus strand (T>A on the coding strand, the complement: DNAH5 is on the minus strand). VCF-style: chr5-13708286-A-T. GRCh37 (hg19) VCF-style: chr5-13708395-A-T.
Other names: short protein forms F4392Y.
Identifiers: ClinVar variation 5035466 (VCV005035466.1).